The following is an entry in ClinVar:

NM_000369.5(TSHR):c.1591C>T (p.Arg531Trp)

Genes: TSHR-AS1 (TSHR antisense RNA 1; minus strand), TSHR (thyroid stimulating hormone receptor; plus strand). Cytogenetic location: 14q31.1.
Variant type: single nucleotide variant.
Coding change: c.1591C>T on transcript NM_000369.5 (MANE Select); coding-DNA position 1591, C replaced by T.
Protein change: p.Arg531Trp; replaces arginine 531 with tryptophan.
Molecular consequence: missense variant.
Genome position (GRCh38, 1-based): chr14:81,143,649, C>T. VCF-style: chr14-81143649-C-T. GRCh37 (hg19) VCF-style: chr14-81609993-C-T.
Other names: short protein forms R531W.
Identifiers: ClinVar variation 2506189 (VCV002506189.2), dbSNP rs139892516, ClinGen allele CA7294493.
Genomic context (GRCh38, chr14:81,143,649, plus strand): 5'-ACGCTGACGGTCATCACCCTGGAGCGCTGGTATGCCATCACCTTCGCCATGCGCCTGGAC[C>T]GGAAGATCCGCCTCAGGCACGCATGTGCCATCATGGTTGGGGGCTGGGTTTGCTGCTTCC-3'
Protein context (NP_000360.2, residues 521-541): YAITFAMRLD[Arg531Trp]KIRLRHACAI

ClinVar aggregate classification (germline): Uncertain significance. Review status: criteria provided, multiple submitters, no conflicts (2 of 4 stars). 2 submissions from 2 submitters: Uncertain significance (2). Last evaluated 2025-04-15.

Conditions:
Hypothyroidism due to TSH receptor mutations. Also called: HYPOTHYROIDISM DUE TO UNRESPONSIVENESS TO THYROTROPIN; HYPOTHYROIDISM, CONGENITAL, DUE TO TSH RESISTANCE; HYPOTHYROIDISM, NONAUTOIMMUNE; THYROID-STIMULATING HORMONE, RESISTANCE TO; TSH RESISTANCE; Hypothyroidism, congenital, nongoitrous, 1. Identifiers: Orphanet 90673, MedGen C3493776, MONDO:0010142, OMIM 275200.

Allele frequency attached by ClinVar (database versions not stated): TOPMed 0.00006; gnomAD exomes 0.00007; 1000 Genomes Project 30x 0.00016; 1000 Genomes Project 0.00020; ESP Exome Variant Server 0.00023.
gnomAD v4.1: 103 of 1,614,162 alleles (0.0064%); highest among the groups gnomAD compares: East Asian, 0.013%; no homozygotes.

Submissions (2):

Constantin Polychronakos Laboratory, The Research Institute of the McGill University Health Centre
Classification: Uncertain significance for Hypothyroidism due to TSH receptor mutations. Last evaluated: 2025-04-15. Review status: criteria provided, single submitter. Criteria: ACMG Guidelines, 2015. Collection method: clinical testing. Allele origin: germline. Affected: yes.
Comment: The NM_000369.5(TSHR):c.1591C>T(p.Arg531Trp) variant causes a missense change. The variant allele was found at extremely low frequency in population databases, with no homozygous occurrence (PM2). In-silico tool predicts a pathogenic outcome for this variant (PP3). Variant has been reported in ClinVar as Uncertain significance (★) and has been reported previously to cause congenital hypothyroidism (PubMed: 20718767, PubMed: 30022773, PubMed: 34377013, PubMed: 36125728). This is a missense variant in a gene in which missense variants are a common mechanism of disease (PP2). Patient’s phenotype or family history is highly specific for for congenital hypothyroidism due to TSHR mutations (PP4). Variant 1591C>T is of uncertain significance based on ACMG guidelines.

Women's Health and Genetics/Laboratory Corporation of America, LabCorp
Classification: Uncertain significance. Last evaluated: 2023-05-24. Review status: criteria provided, single submitter. Criteria: LabCorp Variant Classification Summary - May 2015. Collection method: clinical testing. Allele origin: germline.
Comment: Variant summary: TSHR c.1591C>T (p.Arg531Trp) results in a non-conservative amino acid change located in the intracellular loop domain (Xue_2021) of the encoded protein sequence. Four of five in-silico tools predict a damaging effect of the variant on protein function. The variant allele was found at a frequency of 2.8e-05 in 251346 control chromosomes. c.1591C>T has been reported in the literature as a homozygous genotype in at-least one individual affected with nongoitrous congenital hypothyroidism and mild TSH resistance (example, Cangul_2010) and as a non-informative genotype (second allele/genotype not specified) in cohorts with congenital hypothyroidism (CH) (example, Long_2018, Xue_2021, Li_2023). These data indicate that the variant may be associated with disease. To our knowledge, no experimental evidence demonstrating an impact on protein function has been reported. The following publications have been ascertained in the context of this evaluation (PMID: 20718767, 36125728, 30022773, 34377013). No clinical diagnostic laboratories have submitted clinical-significance assessments for this variant to ClinVar after 2014. Based on the evidence outlined above, the variant was classified as VUS-possibly pathogenic.

Literature cited by the submitters: DOI 10.3389/fendo.2025.1559281 (cited by Constantin Polychronakos Laboratory, The Research Institute of the McGill University Health Centre); PubMed 20718767 (cited by Constantin Polychronakos Laboratory, The Research Institute of the McGill University Health Centre and Women's Health and Genetics/Laboratory Corporation of America, LabCorp); PubMed 30022773 (cited by Constantin Polychronakos Laboratory, The Research Institute of the McGill University Health Centre and Women's Health and Genetics/Laboratory Corporation of America, LabCorp); PubMed 34377013 (cited by Constantin Polychronakos Laboratory, The Research Institute of the McGill University Health Centre and Women's Health and Genetics/Laboratory Corporation of America, LabCorp); PubMed 36125728 (cited by Constantin Polychronakos Laboratory, The Research Institute of the McGill University Health Centre and Women's Health and Genetics/Laboratory Corporation of America, LabCorp).